The following is an entry in ClinVar:

ClinVar aggregate classification (germline): Uncertain significance. Review status: criteria provided, multiple submitters, no conflicts (2 of 4 stars). 2 submissions from 2 submitters: Uncertain significance (2). Last evaluated 2025-10-15.

Conditions:
NXNL1-related disorder. Also called: NXNL1-related condition.

gnomAD v4.1: 54 of 1,613,894 alleles (0.0033%); highest among the groups gnomAD compares: African/African-American, 0.06%; no homozygotes.

Submissions (2):

PreventionGenetics, part of Exact Sciences
Classification: Uncertain significance for NXNL1-related condition. Last evaluated: 2025-10-15. Review status: criteria provided, single submitter. Criteria: ACMG Guidelines, 2015. Collection method: clinical testing. Allele origin: germline.
Comment: The NXNL1 c.67G>A variant is predicted to result in the amino acid substitution p.Glu23Lys. To our knowledge, this variant has not been reported in the literature. This variant is reported in 0.072% of alleles in individuals of African descent in gnomAD. At this time, the clinical significance of this variant is uncertain due to the absence of conclusive functional and genetic evidence.

Ambry Genetics
Classification: Uncertain significance. Last evaluated: 2025-08-23. Review status: criteria provided, single submitter. Criteria: Ambry Variant Classification Scheme 2023. Collection method: clinical testing. Allele origin: germline.

NM_138454.2(NXNL1):c.67G>A (p.Glu23Lys)

Gene: NXNL1 (nucleoredoxin like 1; minus strand). Cytogenetic location: 19p13.11.
Variant type: single nucleotide variant.
Coding change: c.67G>A on transcript NM_138454.2 (MANE Select); coding-DNA position 67, G replaced by A.
Protein change: p.Glu23Lys; replaces glutamic acid 23 with lysine.
Molecular consequence: missense variant.
Genome position (GRCh38, 1-based): chr19:17,460,803, C>T on the plus strand (G>A on the coding strand, the complement: NXNL1 is on the minus strand). VCF-style: chr19-17460803-C-T. GRCh37 (hg19) VCF-style: chr19-17571612-C-T.
Other names: short protein forms E23K.
Identifiers: ClinVar variation 4124549 (VCV004124549.2).